The following is an entry in ClinVar:

NM_000048.4(ASL):c.1153C>T (p.Arg385Cys)

Gene: ASL (argininosuccinate lyase; plus strand). Cytogenetic location: 7q11.21.
Variant type: single nucleotide variant.
Coding change: c.1153C>T on transcript NM_000048.4 (MANE Select); coding-DNA position 1153, C replaced by T.
Protein change: p.Arg385Cys; replaces arginine 385 with cysteine.
Molecular consequence: missense variant.
Genome position (GRCh38, 1-based): chr7:66,092,566, C>T. VCF-style: chr7-66092566-C-T. GRCh37 (hg19) VCF-style: chr7-65557553-C-T.
Other names: NM_000048.3(ASL):c.1153C>T(p.Arg385Cys); NM_001024943.1(ASL):c.1153C>T(p.Arg385Cys); NM_001024944.1(ASL):c.1093C>T(p.Arg365Cys); NM_001024946.1(ASL):c.1075C>T(p.Arg359Cys); c.1153C>T, p.Arg385Cys (NM_001024943.2); c.1093C>T, p.Arg365Cys (NM_001024944.2); c.1075C>T, p.Arg359Cys (NM_001024946.2); short protein forms R385C, R359C, R365C.
Identifiers: ClinVar variation 2401 (VCV000002401.34), dbSNP rs28940286, ClinGen allele CA339980.
Genomic context (GRCh38, chr7:66,092,566, plus strand): 5'-TCAGGGCATGGAGAAACCTGCCTCAGCGCCATCTTCCTCCCTGGCACCCAGATGCCATTC[C>T]GCCAGGCCCACGAGGCCTCCGGGAAAGCTGTGTTCATGGCCGAGACCAAGGGGGTCGCCC-3'
Protein context (NP_000039.2, residues 375-395): YYLVRKGMPF[Arg385Cys]QAHEASGKAV

ClinVar aggregate classification (germline): Pathogenic/Likely pathogenic. Review status: criteria provided, multiple submitters, no conflicts (2 of 4 stars). 14 submissions from 14 submitters: Pathogenic (8); Likely pathogenic (3). 3 of the submissions do not count toward it. Last evaluated 2025-11-16.

Conditions:
ASL-related disorder. Also called: ASL-related condition.
Argininosuccinate lyase deficiency. Also called: ARGININOSUCCINIC ACID LYASE DEFICIENCY; ASL DEFICIENCY; Argininosuccinic aciduria. Identifiers: Orphanet 23, MedGen C0268547, MONDO:0008815, OMIM 207900, HP:0025630.

Allele frequency attached by ClinVar (database versions not stated): TOPMed 0.00005; ExAC 0.00007; gnomAD 0.00007; gnomAD exomes 0.00008.
gnomAD v4.1: 79 of 1,609,370 alleles (0.0049%); highest among the groups gnomAD compares: Non-Finnish European, 0.0015%; no homozygotes.

Submissions (14):

Dasa
Classification: Likely pathogenic for argininosuccinic aciduria. Last evaluated: 2025-11-16. Review status: criteria provided, single submitter. Criteria: DASA Assertion Criteria. Collection method: clinical testing. Allele origin: germline.
Comment: NM_000048.4(ASL):c.1153C>T (p.Arg385Cys) is a missense variant that results in the substitution of arginine with cysteine. The affected residue or protein region has prior evidence supporting clinical relevance. This variant has been recurrently observed in individuals with ASL-related disorders (PMID: 12384776; PMID: 12408190; PMID: 24166829). Functional evidence supports an impact on the gene or gene product (PMID: 12384776; PMID: 12408190; PMID: 24166829). Also, this variant is rare in population databases. Computational evidence supports a deleterious effect. Based on the currently available evidence, this variant is classified as likely pathogenic.

First Genomix Gene Laboratory, Genetic Diagnostics Department
Classification: Pathogenic for Argininosuccinate lyase deficiency. Last evaluated: 2025-07-09. Review status: criteria provided, single submitter. Criteria: ACMG Guidelines, 2015. Collection method: clinical testing. Allele origin: germline. Inheritance: Autosomal recessive inheritance. Affected: no. Observed: 1 variant allele.

Natera, Inc.
Classification: Pathogenic for Argininosuccinate lyase deficiency. Last evaluated: 2025-05-29. Review status: criteria provided, single submitter. Criteria: Natera Variant Classification Schema (03/2026). Collection method: clinical testing. Allele origin: germline.
Comment: The c.1153C>T variant in ASL is a missense variant predicted to cause substitution of arginine to cysteine at amino acid 385. This variant is rare in the general population with a frequency below the threshold expected for the associated phenotype(s). This variant has been observed in one or more individuals affected with the associated recessive disease, as either homozygous or compound heterozygous with a second variant (PMID: 24166829, 12384776). Functional studies show that this variant may disrupt protein function (PMID: 37865865, 38579669). A different variant at the same position has been determined to be Pathogenic or Likely Pathogenic. Computational prediction algorithms indicate this variant is likely to affect gene or protein function. Given the available evidence, this variant is classified as Pathogenic.

Blueprint Genetics
Classification: Pathogenic for ASL-related disorders. Last evaluated: 2024-09-02. Review status: criteria provided, single submitter. Criteria: ACMG Guidelines, 2015. Collection method: clinical testing. Allele origin: germline. Affected: yes. Observed: 5 variant alleles.

Labcorp Genetics (formerly Invitae), Labcorp
Classification: Pathogenic for Argininosuccinate lyase deficiency. Last evaluated: 2024-03-18. Review status: criteria provided, single submitter. Criteria: Invitae Variant Classification Sherloc (09022015). Collection method: clinical testing. Allele origin: germline.
Comment: This sequence change replaces arginine, which is basic and polar, with cysteine, which is neutral and slightly polar, at codon 385 of the ASL protein (p.Arg385Cys). This variant is present in population databases (rs28940286, gnomAD 0.07%). This missense change has been observed in individuals with argininosuccinate lyase deficiency (PMID: 12384776, 12408190, 18616627). ClinVar contains an entry for this variant (Variation ID: 2401). Advanced modeling of protein sequence and biophysical properties (such as structural, functional, and spatial information, amino acid conservation, physicochemical variation, residue mobility, and thermodynamic stability) performed at Invitae indicates that this missense variant is expected to disrupt ASL protein function with a positive predictive value of 95%. Experimental studies have shown that this missense change affects ASL function (PMID: 21667091, 25778938, 26745957). For these reasons, this variant has been classified as Pathogenic.

Fulgent Genetics
Classification: Pathogenic for Argininosuccinate lyase deficiency. Last evaluated: 2024-03-02. Review status: criteria provided, single submitter. Criteria: ACMG Guidelines, 2015. Collection method: clinical testing. Allele origin: germline.

Baylor Genetics
Classification: Pathogenic for Argininosuccinate lyase deficiency. Last evaluated: 2024-02-12. Review status: criteria provided, single submitter. Criteria: ACMG Guidelines, 2015. Collection method: clinical testing. Allele origin: unknown.

Revvity Omics, Revvity
Classification: Pathogenic for Argininosuccinate lyase deficiency. Last evaluated: 2021-08-19. Review status: criteria provided, single submitter. Criteria: ACMG Guidelines, 2015. Collection method: clinical testing. Allele origin: germline.

SIB Swiss Institute of Bioinformatics
Classification: Likely pathogenic for Argininosuccinate lyase deficiency. Last evaluated: 2018-05-31. Review status: criteria provided, single submitter. Criteria: ACMG Guidelines, 2015. Collection method: curation. Allele origin: unknown.
Comment: This variant is interpreted as a Likely Pathogenic, for Argininosuccinic aciduria, in Autosomal Recessive manner. The following ACMG Tag(s) were applied: PP3 => Multiple lines of computational evidence support a deleterious effect on the gene or gene product. PS3 => Well-established functional studies show a deleterious effect (PMID:25778938) (PMID:21667091). PM2 => Absent from controls (or at extremely low frequency if recessive) in Exome Sequencing Project, 1000 Genomes Project, or Exome Aggregation Consortium.

Illumina Laboratory Services, Illumina
Classification: Likely pathogenic for Argininosuccinate lyase deficiency. Last evaluated: 2017-04-28. Review status: criteria provided, single submitter. Criteria: ICSL Variant Classification Criteria 09 May 2019. Collection method: clinical testing. Allele origin: germline.
Comment: The ASL c.1153C>T (p.Arg385Cys) missense variant has been reported in at least five studies and is found in a total of 15 individuals with argininosuccinate lyase deficiency, including five who carried the variant in a homozygous state, two with the variant in a compound heterozygous state, and an additional eight individuals where zygosity is unclear (Kleijer et al. 2002; Keskinen et al. 2008; Balmer et al. 2014). Control data are unavailable for this variant, which is reported at a frequency of 0.00008 in the European (non-Finnish) population of the Exome Aggregation Consortium. Functional studies in E.coli, HEK 293T cells and cultured patient fibroblasts show that the variant results in reduced enzyme activity of 0-12% compared to wild type (Kleijer et al. 2002; Engel et al. 2012; Hu et al. 2015). The Arg385 residue is located near the active site and interacts with a glycine residue for stabilization of the protein (Balmer et al. 2014). Based on the evidence, the p.Arg385Cys variant is classified as pathogenic for argininosuccinate lyase deficiency. This variant was observed by ICSL as part of a predisposition screen in an ostensibly healthy population.

Women's Health and Genetics/Laboratory Corporation of America, LabCorp
Classification: Pathogenic for Argininosuccinate lyase deficiency. Last evaluated: 2017-02-02. Review status: criteria provided, single submitter. Criteria: LabCorp Variant Classification Summary - May 2015. Collection method: clinical testing. Allele origin: germline.
Comment: Variant summary: The ASL c.1153C>T (p.Arg385Cys) variant involves the alteration of a conserved nucleotide indicated to be "located near the active site and interacts with glu389 for with glu389 for stabilization of the carboxy terminus helix bundle and its mutation may impact glu399, which has been proposed as part of active site (via Balmer_2014)." In silico tools, 5/5, predict a damaging outcome, which is supported by mulitple functional studies (Kleijer_2002). The variant of interest was observed in the large, broad control population, ExAC, with an allele frequency of 8/118832 (1/14858), which does not exceed the estimated maximal expected allele frequency for a pathogenic ASL variant of 1/236. Multiple publications cite the variant in affected individuals, who are homozygous and compound heterozygous, along with authors stating the variant may cause mild to severe phenotypes. In addition, multiple clinical diagnostic laboratories/reputable databases classified this variant as likely pathogenic/pathogenic. Taken together, this variant is classified as pathogenic.

Counsyl
Classification: Likely pathogenic for Argininosuccinate lyase deficiency. Last evaluated: 2016-07-15. Review status: no assertion criteria provided. Collection method: clinical testing. Allele origin: unknown. Not counted in ClinVar's aggregate classification.

OMIM
Classification: Pathogenic for ARGININOSUCCINIC ACIDURIA. Last evaluated: 2002-09-01. Review status: no assertion criteria provided. Collection method: literature only. Allele origin: germline. Not counted in ClinVar's aggregate classification.

GeneReviews
No classification provided. Condition: Argininosuccinate lyase deficiency. Review status: no classification provided. Collection method: literature only. Allele origin: unknown. Not counted in ClinVar's aggregate classification.

Literature cited by the submitters: PubMed 12384776 (cited by 4 submitters); PubMed 12408190 (cited by 4 submitters); PubMed 24166829 (cited by 4 submitters); PubMed 25778938 (cited by 5 submitters); PubMed 31943503 (cited by Dasa); PubMed 37865865 (cited by Natera, Inc.); PubMed 38579669 (cited by Natera, Inc.); PubMed 18616627 (cited by 3 submitters); PubMed 21667091 (cited by 4 submitters); PubMed 26745957 (cited by Labcorp Genetics (formerly Invitae), Labcorp); Kleijer, W. J., Garritsen, V. H., Linnebank, M., Mooyer, P., Huijmans, J. G. M., Mustonen, A., Simola, K. O. J., Arslan-Kirchner, M., Battini, R., Briones, P., Cardo, E., Mandel, H., Tschiedel, E., Wanders, R. J. A., Koch, H. G. Clinical, enzymatic, and molecular genetic characterization of a biochemical variant type of argininosuccinic aciduria: prenatal and postnatal diagnosis in 5 unrelated families. J. Inherit. Metab. Dis. 25: 399-410, 2002. (cited by OMIM); PubMed 21290785 (cited by GeneReviews); NCBI Bookshelf NBK51784 (cited by GeneReviews).